The following is an entry in ClinVar:

ClinVar aggregate classification (germline): Uncertain significance (1 of 4 stars; one submission).

Conditions:
Ullrich congenital muscular dystrophy 2 (UCMD2). Identifiers: Orphanet 75840, MedGen C4225314, MONDO:0014654, OMIM 616470.
Bethlem myopathy 2 (BTHLM2). Identifiers: Orphanet 536516, Orphanet 610, MedGen C4225313, MONDO:0034022, OMIM 616471.

Submission:

Labcorp Genetics (formerly Invitae), Labcorp
Classification: Uncertain significance for Bethlem myopathy 2; Ullrich congenital muscular dystrophy 2. Last evaluated: 2022-08-23. Review status: criteria provided, single submitter. Criteria: Invitae Variant Classification Sherloc (09022015). Collection method: clinical testing. Allele origin: germline.
Comment: This variant has not been reported in the literature in individuals affected with COL12A1-related conditions. This variant is not present in population databases (gnomAD no frequency). This sequence change replaces threonine, which is neutral and polar, with lysine, which is basic and polar, at codon 2498 of the COL12A1 protein (p.Thr2498Lys). Algorithms developed to predict the effect of missense changes on protein structure and function are either unavailable or do not agree on the potential impact of this missense change (SIFT: "Deleterious"; PolyPhen-2: "Possibly Damaging"; Align-GVGD: "Class C15"). In summary, the available evidence is currently insufficient to determine the role of this variant in disease. Therefore, it has been classified as a Variant of Uncertain Significance.

NM_004370.6(COL12A1):c.7493C>A (p.Thr2498Lys)

Gene: COL12A1 (collagen type XII alpha 1 chain; minus strand). Cytogenetic location: 6q13.
Variant type: single nucleotide variant.
Coding change: c.7493C>A on transcript NM_004370.6 (MANE Select); coding-DNA position 7493, C replaced by A.
Protein change: p.Thr2498Lys; replaces threonine 2498 with lysine.
Molecular consequence: missense variant.
Genome position (GRCh38, 1-based): chr6:75,117,408, G>T on the plus strand (C>A on the coding strand, the complement: COL12A1 is on the minus strand). VCF-style: chr6-75117408-G-T. GRCh37 (hg19) VCF-style: chr6-75827124-G-T.
Other names: c.4001C>A, p.Thr1334Lys (NM_080645.3); short protein forms T1334K, T2498K.
Identifiers: ClinVar variation 1720184 (VCV001720184.6), dbSNP rs1439397288, ClinGen allele CA364746323.